The following is an entry in ClinVar:

ClinVar aggregate classification (germline): Benign. Review status: criteria provided, multiple submitters, no conflicts (2 of 4 stars). 6 submissions from 6 submitters: Benign (6). Last evaluated 2026-01-21.

Conditions:
Autosomal recessive nonsyndromic hearing loss 3. Also called: NEUROSENSORY NONSYNDROMIC RECESSIVE DEAFNESS 3. Identifiers: Orphanet 90636, MedGen C1838263, MONDO:0010860, OMIM 600316.

Allele frequency attached by ClinVar (database versions not stated): ExAC 0.00339; gnomAD 0.00390 and 0.00394; gnomAD exomes 0.00519; 1000 Genomes Project 0.00599; TOPMed 0.00609; 1000 Genomes Project 30x 0.00640.
gnomAD v4.1: 2,388 of 1,613,956 alleles (0.15%); highest among the groups gnomAD compares: Admixed American, 3.6%; 54 homozygotes.

Submissions (6):

Labcorp Genetics (formerly Invitae), Labcorp
Classification: Benign. Last evaluated: 2026-01-21. Review status: criteria provided, single submitter. Criteria: Invitae Variant Classification Sherloc (09022015). Collection method: clinical testing. Allele origin: germline.

ARUP Laboratories, Molecular Genetics and Genomics, ARUP Laboratories
Classification: Benign for Autosomal recessive nonsyndromic hearing loss 3. Last evaluated: 2021-09-01. Review status: criteria provided, single submitter. Criteria: ARUP Molecular Germline Variant Investigation Process 2021. Collection method: clinical testing. Allele origin: germline.

GeneDx
Classification: Benign. Last evaluated: 2018-01-30. Review status: criteria provided, single submitter. Criteria: GeneDx Variant Classification (06012015). Collection method: clinical testing. Allele origin: germline. Affected: yes.
Comment: This variant is considered likely benign or benign based on one or more of the following criteria: it is a conservative change, it occurs at a poorly conserved position in the protein, it is predicted to be benign by multiple in silico algorithms, and/or has population frequency not consistent with disease.

Illumina Laboratory Services, Illumina
Classification: Benign for Autosomal recessive nonsyndromic hearing loss 3. Last evaluated: 2017-10-29. Review status: criteria provided, single submitter. Criteria: ICSL Variant Classification Criteria 13 December 2019. Collection method: clinical testing. Allele origin: germline.
Comment: This variant was observed as part of a predisposition screen in an ostensibly healthy population. A literature search was performed for the gene, cDNA change, and amino acid change (where applicable). No publications were found based on this search. Allele frequency data from public databases was too high to be consistent with this variant causing disease. Therefore, this variant is classified as benign.

Laboratory for Molecular Medicine, Mass General Brigham Personalized Medicine
Classification: Benign. Last evaluated: 2015-08-04. Review status: criteria provided, single submitter. Criteria: LMM Criteria. Collection method: clinical testing. Allele origin: germline. Observed: 26 variant alleles.
Comment: p.Thr2780Met in exon 46 of MYO15A: This variant is not expected to have clinical significance because it has been identified in 3.4% (391/11528) of Latino chrom osomes by the Exome Aggregation Consortium (ExAC ; dbSNP rs143826293).

Breakthrough Genomics
Classification: Benign. Review status: criteria provided, single submitter. Criteria: ACMG Guidelines, 2015. Collection method: not provided. Allele origin: germline. Inheritance: Autosomal recessive inheritance. Affected: yes.

NM_016239.4(MYO15A):c.8339C>T (p.Thr2780Met)

Gene: MYO15A (myosin XVA; plus strand). Cytogenetic location: 17p11.2.
Variant type: single nucleotide variant.
Coding change: c.8339C>T on transcript NM_016239.4 (MANE Select); coding-DNA position 8339, C replaced by T.
Protein change: p.Thr2780Met; replaces threonine 2780 with methionine.
Molecular consequence: missense variant.
Genome position (GRCh38, 1-based): chr17:18,155,224, C>T. VCF-style: chr17-18155224-C-T. GRCh37 (hg19) VCF-style: chr17-18058538-C-T.
Other names: short protein forms T2780M.
Identifiers: ClinVar variation 45768 (VCV000045768.27), dbSNP rs143826293, ClinGen allele CA137022.